The following is an entry in ClinVar:

NM_020987.5(ANK3):c.2078G>A (p.Ser693Asn)

Gene: ANK3 (ankyrin 3; minus strand). Cytogenetic location: 10q21.2.
Variant type: single nucleotide variant.
Coding change: c.2078G>A on transcript NM_020987.5 (MANE Select); coding-DNA position 2078, G replaced by A.
Protein change: p.Ser693Asn; replaces serine 693 with asparagine.
Molecular consequence: missense variant.
Genome position (GRCh38, 1-based): chr10:60,186,722, C>T on the plus strand (G>A on the coding strand, the complement: ANK3 is on the minus strand). VCF-style: chr10-60186722-C-T. GRCh37 (hg19) VCF-style: chr10-61946480-C-T.
Other names: c.2060G>A, p.Ser687Asn (NM_001204403.2); c.2027G>A, p.Ser676Asn (NM_001204404.2); c.2078G>A, p.Ser693Asn (NM_001320874.2); short protein forms S676N, S687N, S693N.
Identifiers: ClinVar variation 2187890 (VCV002187890.4), dbSNP rs780727105, ClinGen allele CA5512953.

ClinVar aggregate classification (germline): Uncertain significance (1 of 4 stars; one submission).

Allele frequency attached by ClinVar (database versions not stated): ExAC 0.00001; gnomAD exomes 0.00001; TOPMed 0.00002; gnomAD 0.00007.
gnomAD v4.1: 18 of 1,613,802 alleles (0.0011%); highest among the groups gnomAD compares: Admixed American, 0.025%; no homozygotes.

Submission:

Labcorp Genetics (formerly Invitae), Labcorp
Classification: Uncertain significance. Last evaluated: 2024-04-03. Review status: criteria provided, single submitter. Criteria: Invitae Variant Classification Sherloc (09022015). Collection method: clinical testing. Allele origin: germline.
Comment: This sequence change replaces serine, which is neutral and polar, with asparagine, which is neutral and polar, at codon 693 of the ANK3 protein (p.Ser693Asn). This variant is present in population databases (rs780727105, gnomAD 0.009%). This variant has not been reported in the literature in individuals affected with ANK3-related conditions. ClinVar contains an entry for this variant (Variation ID: 2187890). Advanced modeling of protein sequence and biophysical properties (such as structural, functional, and spatial information, amino acid conservation, physicochemical variation, residue mobility, and thermodynamic stability) performed at Invitae indicates that this missense variant is not expected to disrupt ANK3 protein function with a negative predictive value of 80%. In summary, the available evidence is currently insufficient to determine the role of this variant in disease. Therefore, it has been classified as a Variant of Uncertain Significance.